The following is an entry in ClinVar:

ClinVar aggregate classification (germline): Likely pathogenic (1 of 4 stars; one submission).

Conditions:
16p13.11 microduplication syndrome. Identifiers: Orphanet 261243, MedGen C4304595, MONDO:0016837.

Submission:

New York Genome Center
Classification: Likely pathogenic for 16p13.11 microduplication syndrome. Last evaluated: 2023-04-28. Review status: criteria provided, single submitter. Criteria: NYGC Assertion Criteria 2020. Collection method: clinical testing. Allele origin: inherited. Observed: 1 variant allele. Study: PrenatalSEQ.
Comment: The inherited 16p13.11 copy number gain identified on the short arm of chromosome 16 is associated with a recurrent microduplication syndrome. This duplication is curated by ClinGen Dosage Sensitivity Working Group and given a Triplosensitivity Score of 2. Segmental duplications within this region make mapping of the exact breakpoints with whole genome sequencing difficult, however, microarray analysis confirms a minimal duplication region containing NTAN1 at the telomeric breakpoint and ABCC6 at the centromeric breakpoint. This duplication does contain genes MARF1, NDE1, MYH11 and FOPNL, which are often considered the smallest region of overlap for recurrent variation in the 16p13 region. Similar duplications have been observed in affected individuals in the literature with variable clinical phenotypes including neurodevelopmental phenotypes, variable dysmorphic features, hypotonia, congenital heart defects and additional congenital malformations [PMID:30836598, 23979609, 30287593, 21150890]. Alvarado et al found an enrichment of chromosome 16p13.1 duplication in a cohort of patients affected with isolated talipes equinovarus though the clinical significance of this association is uncertain at this time [PMID:22892537]. While some 16p13.11 duplications are identified de novo in affected individuals, many are found to be inherited from asymptomatic or mildly affected parents [PMID:30836598, 21614007, 30287593], and 16p13.11 duplications are also identified in control populations [PMID:23637818, 21844811, 24352232] supporting the observation of reduced penetrance and variable expressivity for 16p13.11 duplications. The inherited 16p13.11 duplication is classified as Likely Pathogenic.

Literature cited by the submitters: PubMed 30836598; PubMed 23979609; PubMed 30287593; PubMed 21150890.

GRCh38/hg38 16p13.12-13.11(chr16:15032610-16203929)

Genes: NOMO3 (NODAL modulator 3; plus strand), NPIPA7 (nuclear pore complex interacting protein family member A7; plus strand), NPIPA1 (nuclear pore complex interacting protein family member A1; plus strand), NPIPA5 (nuclear pore complex interacting protein family member A5; minus strand), NPIPA6 (nuclear pore complex interacting protein family, member A6; plus strand) and 54 more. Cytogenetic location: 16p13.12-13.11.
Variant type: copy number gain.
Identifiers: ClinVar variation 3235906 (VCV003235906.1).